The following is an entry in ClinVar:

NM_000018.4(ACADVL):c.490G>C (p.Val164Leu)

Gene: ACADVL (acyl-CoA dehydrogenase very long chain; plus strand). Cytogenetic location: 17p13.1.
Variant type: single nucleotide variant.
Coding change: c.490G>C on transcript NM_000018.4 (MANE Select); coding-DNA position 490, G replaced by C.
Protein change: p.Val164Leu; replaces valine 164 with leucine.
Molecular consequence: missense variant.
Genome position (GRCh38, 1-based): chr17:7,221,550, G>C. VCF-style: chr17-7221550-G-C. GRCh37 (hg19) VCF-style: chr17-7124869-G-C.
Other names: c.424G>C, p.Val142Leu (NM_001033859.3); c.559G>C, p.Val187Leu (NM_001270447.2); c.262G>C, p.Val88Leu (NM_001270448.2); short protein forms V142L, V164L, V88L, V187L.
Identifiers: ClinVar variation 1346963 (VCV001346963.3), dbSNP rs1240846419, ClinGen allele CA397723018.

ClinVar aggregate classification (germline): Uncertain significance (1 of 4 stars; one submission).

Conditions:
Very long chain acyl-CoA dehydrogenase deficiency (ACADVLD). Also called: VLCAD Deficiency; Very Long-Chain Acyl-Coenzyme A Dehydrogenase Deficiency. Identifiers: Orphanet 26793, MedGen C3887523, MONDO:0008723, OMIM 201475.

Allele frequency attached by ClinVar (database versions not stated): gnomAD 0.00001.
gnomAD v4.1: 2 of 1,614,050 alleles (0.00012%); highest among the groups gnomAD compares: African/African-American, 0.0027%; no homozygotes.

Submission:

Labcorp Genetics (formerly Invitae), Labcorp
Classification: Uncertain significance for Very long chain acyl-CoA dehydrogenase deficiency. Last evaluated: 2021-12-17. Review status: criteria provided, single submitter. Criteria: Invitae Variant Classification Sherloc (09022015). Collection method: clinical testing. Allele origin: germline.
Comment: This sequence change replaces valine, which is neutral and non-polar, with leucine, which is neutral and non-polar, at codon 164 of the ACADVL protein (p.Val164Leu). This variant is not present in population databases (gnomAD no frequency). This variant has not been reported in the literature in individuals affected with ACADVL-related conditions. Algorithms developed to predict the effect of missense changes on protein structure and function (SIFT, PolyPhen-2, Align-GVGD) all suggest that this variant is likely to be tolerated. In summary, the available evidence is currently insufficient to determine the role of this variant in disease. Therefore, it has been classified as a Variant of Uncertain Significance.